The following is an entry in ClinVar:

ClinVar aggregate classification (germline): Benign/Likely benign. Review status: criteria provided, multiple submitters, no conflicts (2 of 4 stars). 14 submissions from 13 submitters: Benign (11); Likely benign (3). Last evaluated 2026-02-04.

Conditions:
Basal cell carcinoma, susceptibility to, 1. Also called: BCC1. Identifiers: MedGen C2751544, MONDO:0011556, OMIM 605462.
Basal cell nevus syndrome 1 (BCNS1). Also called: GORLIN-GOLTZ SYNDROME; MULTIPLE BASAL CELL NEVI, ODONTOGENIC KERATOCYSTS, AND SKELETAL ANOMALIES. Identifiers: MedGen CN376810, MONDO:0958174, OMIM 109400.
Holoprosencephaly 7 (HPE7). Identifiers: Orphanet 2162, MedGen C1835820, MONDO:0012562, OMIM 610828.
Gorlin syndrome. Also called: Nevoid Basal Cell Carcinoma Syndrome; Basal cell nevus syndrome. Identifiers: Orphanet 377, MedGen C0004779, MONDO:0007187.
Hereditary cancer-predisposing syndrome. Also called: Tumor predisposition; Hereditary neoplastic syndrome; Neoplastic Syndromes, Hereditary; Hereditary Cancer Syndrome. Identifiers: Orphanet 140162, MedGen C0027672, MeSH D009386, MONDO:0015356.

Allele frequency attached by ClinVar (database versions not stated): gnomAD exomes 0.00056 and 0.00157; ExAC 0.00205; 1000 Genomes Project 0.00539; gnomAD 0.00620 and 0.00674; 1000 Genomes Project 30x 0.00625; TOPMed 0.00687; ESP Exome Variant Server 0.00738.

Submissions (14):

Labcorp Genetics (formerly Invitae), Labcorp
Classification: Benign for Gorlin syndrome. Last evaluated: 2026-02-04. Review status: criteria provided, single submitter. Criteria: Invitae Variant Classification Sherloc (09022015). Collection method: clinical testing. Allele origin: germline.

Mayo Clinic Laboratories, Mayo Clinic
Classification: Benign. Last evaluated: 2025-07-23. Review status: criteria provided, single submitter. Criteria: ACMG Guidelines, 2015. Collection method: clinical testing. Allele origin: germline. Observed: 1 variant allele.
Comment: BA1, BP4, BP7

Quest Diagnostics Nichols Institute San Juan Capistrano
Classification: Benign. Last evaluated: 2025-04-30. Review status: criteria provided, single submitter. Criteria: Quest Diagnostics criteria. Collection method: clinical testing. Allele origin: unknown.

Department of Pathology and Laboratory Medicine, Sinai Health System
Classification: Benign for Basal cell nevus syndrome 1; Basal cell carcinoma, susceptibility to, 1; Holoprosencephaly 7. Last evaluated: 2023-11-10. Review status: criteria provided, single submitter. Criteria: ACMG Guidelines, 2015. Collection method: clinical testing. Allele origin: germline. Affected: yes.

KCCC/NGS Laboratory, Kuwait Cancer Control Center
Classification: Benign for Basal cell nevus syndrome 1. Last evaluated: 2023-07-07. Review status: criteria provided, single submitter. Criteria: ACMG Guidelines, 2015. Collection method: clinical testing. Allele origin: germline. Affected: yes.

Women's Health and Genetics/Laboratory Corporation of America, LabCorp
Classification: Benign. Last evaluated: 2023-04-22. Review status: criteria provided, single submitter. Criteria: LabCorp Variant Classification Summary - May 2015. Collection method: clinical testing. Allele origin: germline.

Fulgent Genetics
Classification: Likely benign for Basal cell nevus syndrome 1; Basal cell carcinoma, susceptibility to, 1; Holoprosencephaly 7. Last evaluated: 2021-12-01. Review status: criteria provided, single submitter. Criteria: ACMG Guidelines, 2015. Collection method: clinical testing. Allele origin: unknown.

Genetic Services Laboratory, University of Chicago
Classification: Benign. Last evaluated: 2021-04-02. Review status: criteria provided, single submitter. Criteria: ACMG Guidelines, 2015. Collection method: clinical testing. Allele origin: germline. Affected: no.

Illumina Laboratory Services, Illumina
Classification: Benign for Basal cell nevus syndrome 1. Last evaluated: 2018-01-13. Review status: criteria provided, single submitter. Criteria: ICSL Variant Classification Criteria 13 December 2019. Collection method: clinical testing. Allele origin: germline.
Comment: This variant was observed in the ICSL laboratory as part of a predisposition screen in an ostensibly healthy population. It had not been previously curated by ICSL or reported in the Human Gene Mutation Database (HGMD: prior to June 1st, 2018), and was therefore a candidate for classification through an automated scoring system. Utilizing variant allele frequency, disease prevalence and penetrance estimates, and inheritance mode, an automated score was calculated to assess if this variant is too frequent to cause the disease. Based on the score and internal cut-off values, a variant classified as benign is not then subjected to further curation. The score for this variant resulted in a classification of benign for this disease.

Illumina Laboratory Services, Illumina
Classification: Benign for Holoprosencephaly 7. Last evaluated: 2018-01-13. Review status: criteria provided, single submitter. Criteria: ICSL Variant Classification Criteria 13 December 2019. Collection method: clinical testing. Allele origin: germline.
Comment: the same text as in the submission from Illumina Laboratory Services, Illumina above.

Ambry Genetics
Classification: Likely benign for Hereditary cancer-predisposing syndrome. Last evaluated: 2016-11-25. Review status: criteria provided, single submitter. Criteria: Ambry Variant Classification Scheme 2023. Collection method: clinical testing. Allele origin: germline.

GeneDx
Classification: Benign. Last evaluated: 2015-03-03. Review status: criteria provided, single submitter. Criteria: GeneDx Variant Classification Process June 2021. Collection method: clinical testing. Allele origin: germline. Affected: yes.

Breakthrough Genomics
Classification: Likely benign. Review status: criteria provided, single submitter. Criteria: ACMG Guidelines, 2015. Collection method: not provided. Allele origin: germline. Inheritance: Autosomal dominant inheritance. Affected: yes.

PreventionGenetics, part of Exact Sciences
Classification: Benign. Review status: criteria provided, single submitter. Criteria: ACMG Guidelines, 2015. Collection method: clinical testing. Allele origin: germline.

NM_000264.5(PTCH1):c.1074T>C (p.His358=)

Gene: PTCH1 (patched 1; minus strand). Cytogenetic location: 9q22.32.
Variant type: single nucleotide variant.
Coding change: c.1074T>C on transcript NM_000264.5 (MANE Select); coding-DNA position 1074, T replaced by C.
Protein change: p.His358=; no amino-acid change (histidine 358 retained).
Molecular consequence: synonymous variant. On other transcripts: non-coding transcript variant (1).
Genome position (GRCh38, 1-based): chr9:95,479,141, A>G on the plus strand (T>C on the coding strand, the complement: PTCH1 is on the minus strand). VCF-style: chr9-95479141-A-G. GRCh37 (hg19) VCF-style: chr9-98241423-A-G.
Other names: p.His358=; c.876T>C, p.His292= (NM_001083602.3); c.1071T>C, p.His357= (NM_001083603.3); c.621T>C, p.His207= (NM_001083604.3, NM_001083605.3, NM_001083606.3 and 1 more transcripts); c.1074T>C, p.His358= (NM_001354918.2).
Identifiers: ClinVar variation 220375 (VCV000220375.33), dbSNP rs2066832, ClinGen allele CA348060.
Genomic context (GRCh38, chr9:95,479,141, plus strand): 5'-CCCCTTGAAGTGCTCGTACATTTGCTTGGGAGTCATTAACTGGAACATGGTCTGCAGGGC[A>G]TGGGCGCTGCAGCACAGTCCAAGGGAAGGCACATCATCAGTATTCCCAGGAAGCAGTTTC-3'
Protein context (NP_000255.2, residues 348-368): KNSTGKLVSA[His358=]ALQTMFQLMT